The following is an entry in ClinVar:

NM_001379286.1(ZNF423):c.40+33071C>T

Gene: ZNF423 (zinc finger protein 423; minus strand). Cytogenetic location: 16q12.1.
Variant type: single nucleotide variant.
Coding change: c.40+33071C>T on transcript NM_001379286.1 (MANE Select); 33071 bases into the intron after coding-DNA position 40, C replaced by T.
Molecular consequence: intron variant.
Genome position (GRCh38, 1-based): chr16:49,822,664, G>A on the plus strand (C>T on the coding strand, the complement: ZNF423 is on the minus strand). VCF-style: chr16-49822664-G-A. GRCh37 (hg19) VCF-style: chr16-49856575-G-A.
Other names: c.16+6C>T (NM_015069.5); c.-164-33118C>T (NM_001271620.2).
Identifiers: ClinVar variation 1057742 (VCV001057742.9), dbSNP rs2034959188, ClinGen allele CA2499223536.

ClinVar aggregate classification (germline): Uncertain significance (1 of 4 stars; one submission).

Conditions:
Nephronophthisis 14 (NPHP14). Identifiers: Orphanet 2318, MedGen C3539071, MONDO:0013916, OMIM 614844.

Submission:

Labcorp Genetics (formerly Invitae), Labcorp
Classification: Uncertain significance for Nephronophthisis 14. Last evaluated: 2020-03-14. Review status: criteria provided, single submitter. Criteria: Invitae Variant Classification Sherloc (09022015). Collection method: clinical testing. Allele origin: germline.
Comment: This sequence change falls in intron 1 of the ZNF423 gene. It does not directly change the encoded amino acid sequence of the ZNF423 protein, but it affects a nucleotide within the consensus splice site of the intron. This variant is not present in population databases (ExAC no frequency). This variant has not been reported in the literature in individuals with ZNF423-related conditions. Nucleotide substitutions within the consensus splice site are a relatively common cause of aberrant splicing (PMID: 17576681, 9536098). Algorithms developed to predict the effect of sequence changes on RNA splicing suggest that this variant is not likely to affect RNA splicing, but this prediction has not been confirmed by published transcriptional studies. In summary, the available evidence is currently insufficient to determine the role of this variant in disease. Therefore, it has been classified as a Variant of Uncertain Significance.

Literature cited by the submitters: PubMed 17576681; PubMed 9536098.